The following is an entry in ClinVar:

NM_000548.5(TSC2):c.4375del (p.Arg1459fs)

Gene: TSC2 (TSC complex subunit 2; plus strand). Cytogenetic location: 16p13.3.
Variant type: Deletion.
Coding change: c.4375del on transcript NM_000548.5 (MANE Select); coding-DNA position 4375, one base deleted (C; older notation c.4375delC).
Protein change: p.Arg1459fs; shifts the reading frame from arginine 1459.
Molecular consequence: frameshift variant.
Genome position (GRCh38, 1-based): chr16:2,084,597, C deleted; the last of 4 consecutive C bases (chr16:2,084,594-2,084,597); deleting any one gives the same sequence. VCF-style (leftmost placement, unchanged base first): chr16-2084593-GC-G. GRCh37 (hg19) VCF-style: chr16-2134594-GC-G.
Other names: c.4174del, p.Arg1392fs (NM_001077183.3); c.4306del, p.Arg1436fs (NM_001114382.3); c.4066del, p.Arg1356fs (NM_001318827.2); c.4030del, p.Arg1344fs (NM_001318829.2); c.3643del, p.Arg1215fs (NM_001318831.2); c.4207del, p.Arg1403fs (NM_001318832.2); c.4177del, p.Arg1393fs (NM_001363528.2); c.4243del, p.Arg1415fs (NM_001370404.1); and 2 more; short protein forms R1215fs, R1356fs, R1459fs, R1344fs, R1393fs, R1392fs, R1403fs, R1415fs.
Identifiers: ClinVar variation 64944 (VCV000064944.9), dbSNP rs397514959, ClinGen allele CA020364.

ClinVar aggregate classification (germline): Pathogenic. Review status: criteria provided, multiple submitters, no conflicts (2 of 4 stars). 3 submissions from 3 submitters: Pathogenic (2). 1 of the submissions does not count toward it. Last evaluated 2026-04-23.

Conditions:
Hereditary cancer-predisposing syndrome. Also called: Neoplastic Syndromes, Hereditary; Hereditary neoplastic syndrome; Tumor predisposition; Hereditary Cancer Syndrome. Identifiers: Orphanet 140162, MedGen C0027672, MeSH D009386, MONDO:0015356.
Tuberous sclerosis syndrome (TSC). Also called: Tuberous sclerosis; Tuberous Sclerosis Complex. Identifiers: Orphanet 805, MedGen C0041341, MONDO:0001734.
Tuberous sclerosis 2 (TSC2). Identifiers: Orphanet 805, MedGen C1860707, MONDO:0013199, OMIM 613254.

Submissions (3):

Ambry Genetics
Classification: Pathogenic for Hereditary cancer-predisposing syndrome. Last evaluated: 2026-04-23. Review status: criteria provided, single submitter. Criteria: Ambry Variant Classification Scheme 2023. Collection method: clinical testing. Allele origin: germline.
Comment: The c.4375delC pathogenic mutation, located in coding exon 33 of the TSC2 gene, results from a deletion of one nucleotide at nucleotide position 4375, causing a translational frameshift with a predicted alternate stop codon (p.R1459Efs*17). This variant was reported in individuals with features consistent with Tuberous sclerosis complex (Sancak O et al. Eur J Hum Genet, 2005 Jun;13:731-41). This variant is considered to be rare based on population cohorts in the Genome Aggregation Database (gnomAD). This alteration is expected to result in loss of function by premature protein truncation or nonsense-mediated mRNA decay. As such, this alteration is interpreted as a disease-causing mutation.

Labcorp Genetics (formerly Invitae), Labcorp
Classification: Pathogenic for Tuberous sclerosis 2. Last evaluated: 2023-09-14. Review status: criteria provided, single submitter. Criteria: Invitae Variant Classification Sherloc (09022015). Collection method: clinical testing. Allele origin: germline.
Comment: For these reasons, this variant has been classified as Pathogenic. ClinVar contains an entry for this variant (Variation ID: 64944). This premature translational stop signal has been observed in individual(s) with clinical features of TSC2-related conditions (PMID: 21520333). This variant is not present in population databases (gnomAD no frequency). This sequence change creates a premature translational stop signal (p.Arg1459Glufs*17) in the TSC2 gene. It is expected to result in an absent or disrupted protein product. Loss-of-function variants in TSC2 are known to be pathogenic (PMID: 10205261, 17304050).

Tuberous sclerosis database (TSC2)
No classification provided. Condition: TSC. Review status: no classification provided. Criteria: Tuberous Sclerosis Database Assertion Criteria 2015. Collection method: curation. Allele origin: germline. Affected: yes. Not counted in ClinVar's aggregate classification.

Literature cited by the submitters: PubMed 15798777 (cited by Ambry Genetics); PubMed 21520333 (cited by Labcorp Genetics (formerly Invitae), Labcorp); PubMed 10205261 (cited by Labcorp Genetics (formerly Invitae), Labcorp); PubMed 17304050 (cited by Labcorp Genetics (formerly Invitae), Labcorp).